The following is an entry in ClinVar:

ClinVar aggregate classification (germline): Uncertain significance (1 of 4 stars; one submission).

Conditions:
Pitt-Hopkins syndrome (PTHS). Also called: ENCEPHALOPATHY, SEVERE EPILEPTIC, WITH AUTONOMIC DYSFUNCTION; MENTAL RETARDATION, SYNDROMAL, WITH INTERMITTENT HYPERVENTILATION. Identifiers: Orphanet 2896, MedGen C1970431, MONDO:0012589, OMIM 610954.

Submission:

Labcorp Genetics (formerly Invitae), Labcorp
Classification: Uncertain significance for Pitt-Hopkins syndrome. Last evaluated: 2022-04-07. Review status: criteria provided, single submitter. Criteria: Invitae Variant Classification Sherloc (09022015). Collection method: clinical testing. Allele origin: germline.
Comment: This sequence change replaces tyrosine, which is neutral and polar, with serine, which is neutral and polar, at codon 151 of the TCF4 protein (p.Tyr151Ser). This variant is not present in population databases (gnomAD no frequency). This variant has not been reported in the literature in individuals affected with TCF4-related conditions. Algorithms developed to predict the effect of missense changes on protein structure and function (SIFT, PolyPhen-2, Align-GVGD) all suggest that this variant is likely to be tolerated. In summary, the available evidence is currently insufficient to determine the role of this variant in disease. Therefore, it has been classified as a Variant of Uncertain Significance.

NM_001083962.2(TCF4):c.452A>C (p.Tyr151Ser)

Gene: TCF4 (transcription factor 4; minus strand). Cytogenetic location: 18q21.2.
Variant type: single nucleotide variant.
Coding change: c.452A>C on transcript NM_001083962.2 (MANE Select); coding-DNA position 452, A replaced by C.
Protein change: p.Tyr151Ser; replaces tyrosine 151 with serine.
Molecular consequence: missense variant.
Genome position (GRCh38, 1-based): chr18:55,350,921, T>G on the plus strand (A>C on the coding strand, the complement: TCF4 is on the minus strand). VCF-style: chr18-55350921-T-G. GRCh37 (hg19) VCF-style: chr18-53018152-T-G.
Other names: c.380A>C, p.Tyr127Ser (NM_001306207.1, NM_001369575.1, NM_001369586.1 and 9 more transcripts); c.452A>C, p.Tyr151Ser (NM_001369567.1, NM_001369568.1, NM_001369574.1 and 5 more transcripts); c.449A>C, p.Tyr150Ser (NM_001369573.1, NM_001369569.1, NM_001369570.1); c.239A>C, p.Tyr80Ser (NM_001306208.1, NM_001243232.1); c.62A>C, p.Tyr21Ser (NM_001330605.3, NM_001348212.2, NM_001348213.2 and 1 more transcripts); c.326A>C, p.Tyr109Ser (NM_001348211.2, NM_001243231.2); c.377A>C, p.Tyr126Ser (NM_001348220.1, NM_001369576.1, NM_001369578.1 and 3 more transcripts); c.758A>C, p.Tyr253Ser (NM_001243226.3); and 1 more; short protein forms Y109S, Y151S, Y126S, Y150S, Y253S, Y21S, Y127S, Y149S.
Identifiers: ClinVar variation 2122740 (VCV002122740.4), dbSNP rs2514750749, ClinGen allele CA402702552.